The following is an entry in ClinVar:

ClinVar aggregate classification (germline): Uncertain significance (1 of 4 stars; one submission).

Conditions:
Nemaline myopathy 10 (NEM10). Identifiers: MedGen C4015360, MONDO:0014513, OMIM 616165.

Submission:

Labcorp Genetics (formerly Invitae), Labcorp
Classification: Uncertain significance for Nemaline myopathy 10. Last evaluated: 2025-11-17. Review status: criteria provided, single submitter. Criteria: Invitae Variant Classification Sherloc (09022015). Collection method: clinical testing. Allele origin: germline.
Comment: This variant, c.459_467dup, results in the insertion of 3 amino acid(s) of the LMOD3 protein (p.Asp155_Asp157dup), but otherwise preserves the integrity of the reading frame. This variant is present in population databases (no rsID available, gnomAD 0.005%). This variant has not been reported in the literature in individuals affected with LMOD3-related conditions. ClinVar contains an entry for this variant (Variation ID: 836457). Experimental studies and prediction algorithms are not available or were not evaluated, and the functional significance of this variant is currently unknown. In summary, the available evidence is currently insufficient to determine the role of this variant in disease. Therefore, it has been classified as a Variant of Uncertain Significance.

NM_198271.5(LMOD3):c.456TGA[7] (p.Asp155_Asp157dup)

Gene: LMOD3 (leiomodin 3; minus strand). Cytogenetic location: 3p14.1.
Variant type: Microsatellite.
Coding change: c.456TGA[7] on transcript NM_198271.5 (MANE Select); seven copies in a row of the 3-base unit TGA starting at c.456; the reference has four copies in a row; three copies, 9 bases duplicated.
Protein change: p.Asp155_Asp157dup.
Molecular consequence: inframe insertion.
Genome position (GRCh38, 1-based): chr3:69,119,888-69,119,896, TCATCATCA duplicated on the plus strand (TGATGATGA on the coding strand, the reverse complement: LMOD3 is on the minus strand); duplicating any 9 consecutive bases within chr3:69,119,888-69,119,901 gives the same sequence; the position shown is the placement nearest the transcript's 3' end. VCF-style (leftmost placement, unchanged base first): chr3-69119887-G-GTCATCATCA. GRCh37 (hg19) VCF-style: chr3-69169038-G-GTCATCATCA.
Other names: c.456TGA[7], p.Asp155_Asp157dup (NM_001304418.3).
Identifiers: ClinVar variation 836457 (VCV000836457.6), dbSNP rs752238157, ClinGen allele CA434154684.